The following is an entry in ClinVar:

NM_000080.4(CHRNE):c.26T>C (p.Leu9Pro)

Genes: C17orf107 (chromosome 17 open reading frame 107; plus strand), CHRNE (cholinergic receptor nicotinic epsilon subunit; minus strand). Cytogenetic location: 17p13.2.
Variant type: single nucleotide variant.
Coding change: c.26T>C on transcript NM_000080.4 (MANE Select); coding-DNA position 26, T replaced by C.
Protein change: p.Leu9Pro; replaces leucine 9 with proline.
Molecular consequence: missense variant.
Genome position (GRCh38, 1-based): chr17:4,903,038, A>G on the plus strand (T>C on the coding strand, the complement: CHRNE is on the minus strand). VCF-style: chr17-4903038-A-G. GRCh37 (hg19) VCF-style: chr17-4806333-A-G.
Other names: short protein forms L9P.
Identifiers: ClinVar variation 3896811 (VCV003896811.1).

ClinVar aggregate classification (germline): Likely pathogenic (1 of 4 stars; one submission).

Conditions:
Congenital myasthenic syndrome 4B. Also called: Myasthenic syndrome, congenital, 4b, fast-channel. Identifiers: Orphanet 590, MedGen C4225369, MONDO:0014586, OMIM 616324.

Submission:

Kariminejad - Najmabadi Pathology & Genetics Center
Classification: Likely pathogenic for Congenital myasthenic syndrome 4B. Last evaluated: 2023-10-16. Review status: criteria provided, single submitter. Criteria: ACMG Guidelines, 2015. Collection method: clinical testing. Allele origin: germline. Inheritance: Autosomal recessive inheritance. Affected: yes.
Comment: PM2, PP2?, PP3-Moderate, PP4] PM5-Supporting?